The following is an entry in ClinVar:

NM_020911.2(PLXNA4):c.1131C>T (p.Gly377=)

Gene: PLXNA4 (plexin A4; minus strand). Cytogenetic location: 7q32.3.
Variant type: single nucleotide variant.
Coding change: c.1131C>T on transcript NM_020911.2 (MANE Select); coding-DNA position 1131, C replaced by T.
Protein change: p.Gly377=; no amino-acid change (glycine 377 retained).
Molecular consequence: synonymous variant.
Genome position (GRCh38, 1-based): chr7:132,507,563, G>A on the plus strand (C>T on the coding strand, the complement: PLXNA4 is on the minus strand). VCF-style: chr7-132507563-G-A. GRCh37 (hg19) VCF-style: chr7-132192322-G-A.
Other names: c.1131C>T, p.Gly377= (NM_001105543.2, NM_001393897.1, NM_181775.4).
Identifiers: ClinVar variation 2634394 (VCV002634394.3), dbSNP rs142219743, ClinGen allele CA4490367.
Genomic context (GRCh38, chr7:132,507,563, plus strand): 5'-CACCGCACTGCTGCAGGGGATGTCCTTCACCTTGAGCCAGGCCAGGTCCAGCGTGCCCTC[G>A]CCCCGGTAACAAGACTGCAGCCGCTCCTTAATGCGGTCATTTATCTGCTTCAAGATGAAG-3'
Protein context (NP_065962.1, residues 367-387): IKERLQSCYR[Gly377=]EGTLDLAWLK

ClinVar aggregate classification (germline): Likely benign (0 of 4 stars; one submission).

Conditions:
PLXNA4-related disorder. Also called: PLXNA4-related condition.

Allele frequency attached by ClinVar (database versions not stated): ESP Exome Variant Server 0.00008; gnomAD 0.00032; TOPMed 0.00034; ExAC 0.00036.
gnomAD v4.1: 611 of 1,613,852 alleles (0.038%); highest among the groups gnomAD compares: Admixed American, 0.093%; no homozygotes.

Submission:

PreventionGenetics, part of Exact Sciences
Classification: Likely benign for PLXNA4-related condition. Last evaluated: 2023-12-14. Review status: no assertion criteria provided. Collection method: clinical testing. Allele origin: germline.
Comment: This variant is classified as likely benign based on ACMG/AMP sequence variant interpretation guidelines (Richards et al. 2015 PMID: 25741868, with internal and published modifications).